The following is an entry in ClinVar:

ClinVar aggregate classification (germline): Likely benign (1 of 4 stars; one submission).

Allele frequency attached by ClinVar (database versions not stated): ESP Exome Variant Server 0.00046; 1000 Genomes Project 30x 0.00078; 1000 Genomes Project 0.00080; ExAC 0.00129; gnomAD 0.00139.
gnomAD v4.1: 1,722 of 1,614,188 alleles (0.11%); highest among the groups gnomAD compares: Middle Eastern, 2.3%; 15 homozygotes.

Submission:

CeGaT Center for Human Genetics Tuebingen
Classification: Likely benign. Last evaluated: 2022-09-01. Review status: criteria provided, single submitter. Criteria: CeGaT Center For Human Genetics Tuebingen Variant Classification Criteria Version 2. Collection method: clinical testing. Allele origin: germline. Affected: yes. Observed: 2 variant alleles.
Comment: ICE2: BS2

NM_024611.6(ICE2):c.2629T>G (p.Ser877Ala)

Gene: ICE2 (interactor of little elongation complex ELL subunit 2; minus strand). Cytogenetic location: 15q22.2.
Variant type: single nucleotide variant.
Coding change: c.2629T>G on transcript NM_024611.6 (MANE Select); coding-DNA position 2629, T replaced by G.
Protein change: p.Ser877Ala; replaces serine 877 with alanine.
Molecular consequence: missense variant. On other transcripts: non-coding transcript variant (1).
Genome position (GRCh38, 1-based): chr15:60,428,620, A>C on the plus strand (T>G on the coding strand, the complement: ICE2 is on the minus strand). VCF-style: chr15-60428620-A-C. GRCh37 (hg19) VCF-style: chr15-60720819-A-C.
Other names: c.2218T>G, p.Ser740Ala (NM_001018089.3); short protein forms S740A, S877A.
Identifiers: ClinVar variation 2645384 (VCV002645384.24), dbSNP rs117095293, ClinGen allele CA7592665.